The following is an entry in ClinVar:

NM_018896.5(CACNA1G):c.6875G>A (p.Gly2292Asp)

Gene: CACNA1G (calcium voltage-gated channel subunit alpha1 G; plus strand). Cytogenetic location: 17q21.33.
Variant type: single nucleotide variant.
Coding change: c.6875G>A on transcript NM_018896.5 (MANE Select); coding-DNA position 6875, G replaced by A.
Protein change: p.Gly2292Asp; replaces glycine 2292 with aspartic acid.
Molecular consequence: missense variant. On other transcripts: non-coding transcript variant (5).
Genome position (GRCh38, 1-based): chr17:50,626,492, G>A. VCF-style: chr17-50626492-G-A. GRCh37 (hg19) VCF-style: chr17-48703853-G-A.
Other names: c.6686G>A, p.Gly2229Asp (NM_001256324.2); c.6617G>A, p.Gly2206Asp (NM_001256325.2); c.6605G>A, p.Gly2202Asp (NM_001256326.2); c.6575G>A, p.Gly2192Asp (NM_001256327.2); c.6521G>A, p.Gly2174Asp (NM_001256328.2); c.6494G>A, p.Gly2165Asp (NM_001256329.2, NM_198387.3); c.6461G>A, p.Gly2154Asp (NM_001256330.2); c.6440G>A, p.Gly2147Asp (NM_001256331.2); and 18 more; short protein forms G2086D, G2109D, G2120D, G2142D, G2147D, G2154D, G2158D, G2161D.
Identifiers: ClinVar variation 2647934 (VCV002647934.24), dbSNP rs751060300, ClinGen allele CA8653747.

ClinVar aggregate classification (germline): Likely benign (1 of 4 stars; one submission).

Allele frequency attached by ClinVar (database versions not stated): gnomAD exomes 0.00001; ExAC 0.00005.
gnomAD v4.1: 16 of 1,590,580 alleles (0.001%); highest among the groups gnomAD compares: East Asian, 0.014%; no homozygotes.

Submission:

CeGaT Center for Human Genetics Tuebingen
Classification: Likely benign. Last evaluated: 2022-11-01. Review status: criteria provided, single submitter. Criteria: CeGaT Center For Human Genetics Tuebingen Variant Classification Criteria Version 2. Collection method: clinical testing. Allele origin: germline. Affected: yes. Observed: 1 variant allele.
Comment: CACNA1G: BP4